The following is an entry in ClinVar:

ClinVar aggregate classification (germline): Likely benign. Review status: criteria provided, multiple submitters, no conflicts (2 of 4 stars). 4 submissions from 4 submitters: Likely benign (4). Last evaluated 2025-07-13.

Allele frequency attached by ClinVar (database versions not stated): gnomAD exomes 0.00011 and 0.00024; ExAC 0.00012; gnomAD 0.00014 and 0.00017; TOPMed 0.00021; ESP Exome Variant Server 0.00031.
gnomAD v4.1: 375 of 1,614,058 alleles (0.023%); highest among the groups gnomAD compares: Non-Finnish European, 0.028%; no homozygotes.

Submissions (4):

Labcorp Genetics (formerly Invitae), Labcorp
Classification: Likely benign. Last evaluated: 2025-07-13. Review status: criteria provided, single submitter. Criteria: Invitae Variant Classification Sherloc (09022015). Collection method: clinical testing. Allele origin: germline.

Blueprint Genetics
Classification: Likely benign. Last evaluated: 2024-11-26. Review status: criteria provided, single submitter. Criteria: ACMG Guidelines, 2015. Collection method: clinical testing. Allele origin: germline.

CeGaT Center for Human Genetics Tuebingen
Classification: Likely benign. Last evaluated: 2022-07-01. Review status: criteria provided, single submitter. Criteria: CeGaT Center For Human Genetics Tuebingen Variant Classification Criteria Version 2. Collection method: clinical testing. Allele origin: germline. Affected: yes. Observed: 3 variant alleles.
Comment: PARS2: BP4, BP7

GeneDx
Classification: Likely benign. Last evaluated: 2021-03-31. Review status: criteria provided, single submitter. Criteria: GeneDx Variant Classification Process June 2021. Collection method: clinical testing. Allele origin: germline. Affected: yes.

NM_152268.4(PARS2):c.1305C>T (p.Ile435=)

Gene: PARS2 (prolyl-tRNA synthetase 2, mitochondrial; minus strand). Cytogenetic location: 1p32.3.
Variant type: single nucleotide variant.
Coding change: c.1305C>T on transcript NM_152268.4 (MANE Select); coding-DNA position 1305, C replaced by T.
Protein change: p.Ile435=; no amino-acid change (isoleucine 435 retained).
Molecular consequence: synonymous variant.
Genome position (GRCh38, 1-based): chr1:54,757,857, G>A on the plus strand (C>T on the coding strand, the complement: PARS2 is on the minus strand). VCF-style: chr1-54757857-G-A. GRCh37 (hg19) VCF-style: chr1-55223530-G-A.
Identifiers: ClinVar variation 669154 (VCV000669154.34), dbSNP rs377607062, ClinGen allele CA869326.